The following is an entry in ClinVar:

NM_016734.3(PAX5):c.277C>T (p.Pro93Ser)

Gene: PAX5 (paired box 5; minus strand). Cytogenetic location: 9p13.2.
Variant type: single nucleotide variant.
Coding change: c.277C>T on transcript NM_016734.3 (MANE Select); coding-DNA position 277, C replaced by T.
Protein change: p.Pro93Ser; replaces proline 93 with serine.
Molecular consequence: missense variant. On other transcripts: 5 prime UTR variant (2), non-coding transcript variant (2), intron variant (1).
Genome position (GRCh38, 1-based): chr9:37,015,130, G>A on the plus strand (C>T on the coding strand, the complement: PAX5 is on the minus strand). VCF-style: chr9-37015130-G-A. GRCh37 (hg19) VCF-style: chr9-37015127-G-A.
Other names: c.277C>T, p.Pro93Ser (NM_001280547.2, NM_001280548.2, NM_001280549.2 and 4 more transcripts); c.-48C>T (NM_001280551.2, NM_001280556.2); c.212+5506C>T (NM_001280555.2); short protein forms P93S.
Identifiers: ClinVar variation 4825473 (VCV004825473.1).
Genomic context (GRCh38, chr9:37,015,130, plus strand): 5'-CCCAGGCAAACATGGTGGGATTTTGGCGTTTATATTCAGCGATTTTTTCCACCACTTTGG[G>A]TGTGGCGACCTTTGGTTTGGATCCTCCAATTACCCCAGGCTTGATGCTTCCTGTCTCATA-3'
Protein context (NP_057953.1, residues 83-103): IGGSKPKVAT[Pro93Ser]KVVEKIAEYK

ClinVar aggregate classification (germline): Uncertain significance (1 of 4 stars; one submission).

Conditions:
Inborn genetic diseases. Identifiers: MedGen C0950123, MeSH D030342.

Submission:

Ambry Genetics
Classification: Uncertain significance for Inborn genetic diseases. Last evaluated: 2026-02-15. Review status: criteria provided, single submitter. Criteria: Ambry Variant Classification Scheme 2023. Collection method: clinical testing. Allele origin: germline.
Comment: The p.P93S variant (also known as c.277C>T), located in coding exon 3 of the PAX5 gene, results from a C to T substitution at nucleotide position 277. The proline at codon 93 is replaced by serine, an amino acid with similar properties. This amino acid position is conserved. In addition, this alteration is predicted to be deleterious by in silico analysis. Based on the available evidence, the clinical significance of this variant remains unclear.